The following is an entry in ClinVar:

ClinVar aggregate classification (germline): Likely benign (1 of 4 stars; one submission).

gnomAD v4.1: 90 of 1,614,050 alleles (0.0056%); highest among the groups gnomAD compares: South Asian, 0.019%; no homozygotes.

Submission:

CeGaT Center for Human Genetics Tuebingen
Classification: Likely benign. Last evaluated: 2022-12-01. Review status: criteria provided, single submitter. Criteria: CeGaT Center For Human Genetics Tuebingen Variant Classification Criteria Version 2. Collection method: clinical testing. Allele origin: germline. Affected: yes. Observed: 1 variant allele.
Comment: PIGR: BP4, BP7

NM_002644.4(PIGR):c.639C>T (p.Ser213=)

Gene: PIGR (polymeric immunoglobulin receptor; minus strand). Cytogenetic location: 1q32.1.
Variant type: single nucleotide variant.
Coding change: c.639C>T on transcript NM_002644.4 (MANE Select); coding-DNA position 639, C replaced by T.
Protein change: p.Ser213=; no amino-acid change (serine 213 retained).
Molecular consequence: synonymous variant.
Genome position (GRCh38, 1-based): chr1:206,937,501, G>A on the plus strand (C>T on the coding strand, the complement: PIGR is on the minus strand). VCF-style: chr1-206937501-G-A. GRCh37 (hg19) VCF-style: chr1-207110846-G-A.
Identifiers: ClinVar variation 2639867 (VCV002639867.24), dbSNP rs761979881, ClinGen allele CA1365335.